The following is an entry in ClinVar:

NM_033026.6(PCLO):c.5558G>A (p.Arg1853Lys)

Gene: PCLO (piccolo presynaptic cytomatrix protein; minus strand). Cytogenetic location: 7q21.11.
Variant type: single nucleotide variant.
Coding change: c.5558G>A on transcript NM_033026.6 (MANE Select); coding-DNA position 5558, G replaced by A.
Protein change: p.Arg1853Lys; replaces arginine 1853 with lysine.
Molecular consequence: missense variant.
Genome position (GRCh38, 1-based): chr7:82,955,395, C>T on the plus strand (G>A on the coding strand, the complement: PCLO is on the minus strand). VCF-style: chr7-82955395-C-T. GRCh37 (hg19) VCF-style: chr7-82584711-C-T.
Other names: c.5558G>A (NM_033026.5); c.5558G>A, p.Arg1853Lys (NM_014510.3); short protein forms R1853K.
Identifiers: ClinVar variation 3623409 (VCV003623409.3).

ClinVar aggregate classification (germline): Uncertain significance. Review status: criteria provided, multiple submitters, no conflicts (2 of 4 stars). 2 submissions from 2 submitters: Uncertain significance (2). Last evaluated 2025-01-15.

Conditions:
Inborn genetic diseases. Identifiers: MedGen C0950123, MeSH D030342.

gnomAD v4.1: 6 of 1,613,774 alleles (0.00037%); highest among the groups gnomAD compares: Admixed American, 0.005%; no homozygotes.

Submissions (2):

Ambry Genetics
Classification: Uncertain significance for Inborn genetic diseases. Last evaluated: 2025-01-15. Review status: criteria provided, single submitter. Criteria: Ambry Variant Classification Scheme 2023. Collection method: clinical testing. Allele origin: germline.

Labcorp Genetics (formerly Invitae), Labcorp
Classification: Uncertain significance. Last evaluated: 2024-03-01. Review status: criteria provided, single submitter. Criteria: Invitae Variant Classification Sherloc (09022015). Collection method: clinical testing. Allele origin: germline.
Comment: This sequence change replaces arginine, which is basic and polar, with lysine, which is basic and polar, at codon 1853 of the PCLO protein (p.Arg1853Lys). This variant is present in population databases (rs749164770, gnomAD 0.009%). This variant has not been reported in the literature in individuals affected with PCLO-related conditions. Experimental studies and prediction algorithms are not available or were not evaluated, and the functional significance of this variant is currently unknown. In summary, the available evidence is currently insufficient to determine the role of this variant in disease. Therefore, it has been classified as a Variant of Uncertain Significance.